The following is an entry in ClinVar:

NM_020937.4(FANCM):c.1577T>C (p.Leu526Pro)

Gene: FANCM (FA complementation group M; plus strand). Cytogenetic location: 14q21.2.
Variant type: single nucleotide variant.
Coding change: c.1577T>C on transcript NM_020937.4 (MANE Select); coding-DNA position 1577, T replaced by C.
Protein change: p.Leu526Pro; replaces leucine 526 with proline.
Molecular consequence: missense variant.
Genome position (GRCh38, 1-based): chr14:45,159,276, T>C. VCF-style: chr14-45159276-T-C. GRCh37 (hg19) VCF-style: chr14-45628479-T-C.
Other names: c.1499T>C, p.Leu500Pro (NM_001308133.2); c.1577T>C, p.Leu526Pro (NM_001308134.2); c.1577T>C (NM_020937.2); short protein forms L500P, L526P.
Identifiers: ClinVar variation 1386332 (VCV001386332.9), dbSNP rs766715021, ClinGen allele CA7169087.

ClinVar aggregate classification (germline): Uncertain significance. Review status: criteria provided, multiple submitters, no conflicts (2 of 4 stars). 2 submissions from 2 submitters: Uncertain significance (2). Last evaluated 2025-11-26.

Conditions:
Inborn genetic diseases. Identifiers: MedGen C0950123, MeSH D030342.
Fanconi anemia (FA). Also called: Fanconi's anemia. Identifiers: Orphanet 84, MedGen C0015625, MeSH D005199, MONDO:0019391.

Allele frequency attached by ClinVar (database versions not stated): gnomAD exomes below 0.00001; ExAC 0.00001.
gnomAD v4.1: 1 of 1,609,938 alleles (0.000062%); highest among the groups gnomAD compares: Admixed American, 0.0017%; no homozygotes.

Submissions (2):

Ambry Genetics
Classification: Uncertain significance for Inborn genetic diseases. Last evaluated: 2025-11-26. Review status: criteria provided, single submitter. Criteria: Ambry Variant Classification Scheme 2023. Collection method: clinical testing. Allele origin: germline.
Comment: The p.L526P variant (also known as c.1577T>C), located in coding exon 9 of the FANCM gene, results from a T to C substitution at nucleotide position 1577. The leucine at codon 526 is replaced by proline, an amino acid with similar properties. This amino acid position is conserved. In addition, the in silico prediction for this alteration is inconclusive. Based on the available evidence, the clinical significance of this variant remains unclear.

Labcorp Genetics (formerly Invitae), Labcorp
Classification: Uncertain significance for Fanconi anemia. Last evaluated: 2021-01-11. Review status: criteria provided, single submitter. Criteria: Invitae Variant Classification Sherloc (09022015). Collection method: clinical testing. Allele origin: germline.
Comment: In summary, the available evidence is currently insufficient to determine the role of this variant in disease. Therefore, it has been classified as a Variant of Uncertain Significance. Algorithms developed to predict the effect of missense changes on protein structure and function are either unavailable or do not agree on the potential impact of this missense change (SIFT: "Deleterious"; PolyPhen-2: "Possibly Damaging"; Align-GVGD: "Class C0"). This variant has not been reported in the literature in individuals with FANCM-related conditions. This variant is present in population databases (rs766715021, ExAC 0.009%). This sequence change replaces leucine with proline at codon 526 of the FANCM protein (p.Leu526Pro). The leucine residue is highly conserved and there is a moderate physicochemical difference between leucine and proline.